The following is an entry in ClinVar:

NC_000010.11:g.68413754_68420303del

Genes: DNA2 (DNA replication helicase/nuclease 2; minus strand), LOC132089842 (Neanderthal introgressed variant-containing enhancer experimental_16635; plus strand), LOC132089843 (Neanderthal introgressed variant-containing enhancer experimental_16643; plus strand). Cytogenetic location: 10q21.3.
Variant type: Deletion.
Genome position: GRCh38: chr10:68,413,754-68,420,303. GRCh37 (hg19): chr10:70,173,511-70,180,060.
Other names: EX18-EX21 DEL.
Identifiers: ClinVar variation 1710084 (VCV001710084.2), ClinGen allele CA2580081727.

ClinVar aggregate classification (germline): Pathogenic. Review status: criteria provided, single submitter (1 of 4 stars). 2 submissions from 2 submitters: Pathogenic (1). 1 of the submissions does not count toward it. Last evaluated 2022-09-22.

Conditions:
Rothmund-Thomson syndrome (RTS). Also called: Poikiloderma Congenitale; Poikiloderma of Rothmund-Thomson. Identifiers: Orphanet 2909, MedGen C0032339, MONDO:0010002.
Rothmund-Thomson syndrome type 4. Identifiers: MedGen C5935619, MONDO:0970950, OMIM 620819.

Submissions (2):

Human Genome and Stem Cell Research Center, Department of Genetics and Evolutionary Biology, Institute of Biosciences, University of São Paulo
Classification: Pathogenic for Rothmund-Thomson syndrome. Last evaluated: 2022-09-22. Review status: criteria provided, single submitter. Criteria: ACMG Guidelines, 2015. Collection method: research. Allele origin: paternal. Inheritance: Autosomal recessive inheritance. Affected: yes. Observed: 1 compound heterozygote.
Comment: Very rare variant, predicted to cause frameshift and NMD, in trans with the recurrent splicing variant in 2 probands with Rothmund-Thomson Syndrome with congenital cataracts and severe growth restriction (DNA related RTS). Pathogenic (PM2, PVS1, PP1_mod)

OMIM
Classification: Pathogenic for ROTHMUND-THOMSON SYNDROME, TYPE 4. Last evaluated: 2024-05-07. Review status: no assertion criteria provided. Collection method: literature only. Allele origin: germline. Not counted in ClinVar's aggregate classification.

Literature cited by the submitters: PubMed 37055165 (cited by OMIM).